The following is an entry in ClinVar:

ClinVar aggregate classification (germline): Likely benign. Review status: criteria provided, multiple submitters, no conflicts (2 of 4 stars). 3 submissions from 3 submitters: Likely benign (3). Last evaluated 2025-10-02.

Allele frequency attached by ClinVar (database versions not stated): gnomAD 0.00003.
gnomAD v4.1: 49 of 1,611,056 alleles (0.003%); highest among the groups gnomAD compares: Middle Eastern, 0.033%; 1 homozygote.

Submissions (3):

Labcorp Genetics (formerly Invitae), Labcorp
Classification: Likely benign. Last evaluated: 2025-10-02. Review status: criteria provided, single submitter. Criteria: Invitae Variant Classification Sherloc (09022015). Collection method: clinical testing. Allele origin: germline.

CeGaT Center for Human Genetics Tuebingen
Classification: Likely benign. Last evaluated: 2024-11-01. Review status: criteria provided, single submitter. Criteria: CeGaT Center For Human Genetics Tuebingen Variant Classification Criteria Version 2. Collection method: clinical testing. Allele origin: germline. Affected: yes. Observed: 1 variant allele.
Comment: PITRM1: BP4, BP7

Blueprint Genetics
Classification: Likely benign. Last evaluated: 2024-02-09. Review status: criteria provided, single submitter. Criteria: ACMG Guidelines, 2015. Collection method: clinical testing. Allele origin: germline.

NM_014889.4(PITRM1):c.1209C>T (p.Thr403=)

Gene: PITRM1 (pitrilysin metallopeptidase 1; minus strand). Cytogenetic location: 10p15.2.
Variant type: single nucleotide variant.
Coding change: c.1209C>T on transcript NM_014889.4 (MANE Select); coding-DNA position 1209, C replaced by T.
Protein change: p.Thr403=; no amino-acid change (threonine 403 retained).
Molecular consequence: synonymous variant. On other transcripts: 5 prime UTR variant (1), non-coding transcript variant (4).
Genome position (GRCh38, 1-based): chr10:3,158,081, G>A on the plus strand (C>T on the coding strand, the complement: PITRM1 is on the minus strand). VCF-style: chr10-3158081-G-A. GRCh37 (hg19) VCF-style: chr10-3200273-G-A.
Other names: c.1209C>T, p.Thr403= (NM_001242307.2, NM_001347725.2); c.1113C>T, p.Thr371= (NM_001242309.1); c.594C>T, p.Thr198= (NM_001347726.2, NM_001347727.2); c.-92C>T (NM_001347728.2); c.1185C>T, p.Thr395= (NM_001347729.1, NM_001347730.1).
Identifiers: ClinVar variation 2414452 (VCV002414452.22), dbSNP rs766860548, ClinGen allele CA5387891.